The following is an entry in ClinVar:

ClinVar aggregate classification (germline): Uncertain significance (1 of 4 stars; one submission).

Conditions:
Renal cell carcinoma. Identifiers: Orphanet 217071, MedGen C0007134, MeSH D002292, MONDO:0005086, HP:0005584.

Allele frequency attached by ClinVar (database versions not stated): TOPMed 0.00001.

Submission:

Labcorp Genetics (formerly Invitae), Labcorp
Classification: Uncertain significance for Renal cell carcinoma. Last evaluated: 2024-09-25. Review status: criteria provided, single submitter. Criteria: Invitae Variant Classification Sherloc (09022015). Collection method: clinical testing. Allele origin: germline.
Comment: This sequence change replaces asparagine, which is neutral and polar, with lysine, which is basic and polar, at codon 704 of the MET protein (p.Asn704Lys). This variant is not present in population databases (gnomAD no frequency). This variant has not been reported in the literature in individuals affected with MET-related conditions. ClinVar contains an entry for this variant (Variation ID: 838548). Invitae Evidence Modeling of protein sequence and biophysical properties (such as structural, functional, and spatial information, amino acid conservation, physicochemical variation, residue mobility, and thermodynamic stability) indicates that this missense variant is not expected to disrupt MET protein function with a negative predictive value of 80%. In summary, the available evidence is currently insufficient to determine the role of this variant in disease. Therefore, it has been classified as a Variant of Uncertain Significance.

NM_000245.4(MET):c.2112C>A (p.Asn704Lys)

Gene: MET (MET proto-oncogene, receptor tyrosine kinase; plus strand). Cytogenetic location: 7q31.2.
Variant type: single nucleotide variant.
Coding change: c.2112C>A on transcript NM_000245.4 (MANE Select); coding-DNA position 2112, C replaced by A.
Protein change: p.Asn704Lys; replaces asparagine 704 with lysine.
Molecular consequence: missense variant.
Genome position (GRCh38, 1-based): chr7:116,758,468, C>A. VCF-style: chr7-116758468-C-A. GRCh37 (hg19) VCF-style: chr7-116398522-C-A.
Other names: c.2112C>A, p.Asn704Lys (NM_001127500.3, NM_001324401.3); c.822C>A, p.Asn274Lys (NM_001324402.2); short protein forms N704K, N274K.
Identifiers: ClinVar variation 838548 (VCV000838548.9), dbSNP rs1458912347, ClinGen allele CA368980394.